The following is an entry in ClinVar:

ClinVar aggregate classification (germline): Pathogenic. Review status: criteria provided, multiple submitters, no conflicts (2 of 4 stars). 4 submissions from 4 submitters: Pathogenic (4). Last evaluated 2026-03-19.

Conditions:
HNRNPU-related disorders.
Epilepsy. Also called: Seizure disorder. Identifiers: MedGen C0014544, MeSH D004827, MONDO:0005027.
Epileptic encephalopathy. Identifiers: MedGen C0543888, HP:0200134.

Submissions (4):

Cytogénomique, Hospices Civils de Lyon
Classification: Pathogenic for Epilepsy. Last evaluated: 2026-03-19. Review status: criteria provided, single submitter. Criteria: ACMG Guidelines, 2015. Collection method: clinical testing. Allele origin: germline. Affected: yes.

GeneDx
Classification: Pathogenic. Last evaluated: 2020-08-10. Review status: criteria provided, single submitter. Criteria: GeneDx Variant Classification Process June 2021. Collection method: clinical testing. Allele origin: germline. Affected: yes.
Comment: Frameshift variant predicted to result in protein truncation or nonsense mediated decay in a gene for which loss-of-function is a known mechanism of disease; Not observed in large population cohorts (Lek et al., 2016); This variant is associated with the following publications: (PMID: 28815871, 31216405)

Blueprint Genetics
Classification: Pathogenic for HNRNPU-related disorders. Last evaluated: 2019-10-14. Review status: criteria provided, single submitter. Criteria: ACMG Guidelines, 2015. Collection method: clinical testing. Allele origin: germline. Affected: yes. Observed: 1 variant allele.

Baylor Genetics
Classification: Pathogenic for Epileptic encephalopathy. Last evaluated: 2016-10-26. Review status: criteria provided, single submitter. Criteria: Leduc MS Am J Med Genet A. 2017. Collection method: clinical testing. Allele origin: de novo. Inheritance: Autosomal dominant inheritance. Affected: yes. Observed: 1 variant allele, 1 heterozygote.

NM_031844.3(HNRNPU):c.2270_2271del (p.Pro757fs)

Gene: HNRNPU (heterogeneous nuclear ribonucleoprotein U; minus strand). Cytogenetic location: 1q44.
Variant type: Deletion.
Coding change: c.2270_2271del on transcript NM_031844.3 (MANE Select); coding-DNA positions 2270 to 2271, 2 bases deleted (CT; older notation c.2270_2271delCT).
Protein change: p.Pro757fs; shifts the reading frame from proline 757.
Molecular consequence: frameshift variant.
Genome position (GRCh38, 1-based): chr1:244,855,505-244,855,506, AG deleted on the plus strand (CT on the coding strand, the reverse complement: HNRNPU is on the minus strand). VCF-style (leftmost placement, unchanged base first): chr1-244855504-CAG-C. GRCh37 (hg19) VCF-style: chr1-245018806-CAG-C.
Other names: c.2213_2214del, p.Pro738fs (NM_004501.3); short protein forms P738fs, P757fs.
Identifiers: ClinVar variation 267739 (VCV000267739.6), dbSNP rs1135401734, ClinGen allele CA645372527.